The following is an entry in ClinVar:

ClinVar aggregate classification (germline): Pathogenic (1 of 4 stars; one submission).

Submission:

Quest Diagnostics Nichols Institute San Juan Capistrano
Classification: Pathogenic. Last evaluated: 2021-09-20. Review status: criteria provided, single submitter. Criteria: ACMG/ClinGen CNV Guidelines, 2019. Collection method: clinical testing. Allele origin: unknown.
Comment: The 17q12 copy number gain involves multiple genes, and is consistent with the chromosome 17q12 duplication syndrome (OMIM 614526; Kendall 2019). The common clinical features of the 17q12 recurrent duplication are variable ranging from normal to severe intellectual disability, epilepsy, and other clinical manifestations. Speech delay is common, and most affected individuals have some degree of gross motor delay. Seizures are present in 75%. Up to one third have eye or vision problems; cardiac and renal anomalies occur in rare cases. Other neurodevelopmental and psychiatric conditions reported in a subset of affected individuals are autism spectrum disorder, schizophrenia, and behavioral abnormalities (aggression and self-injury). The 17q12 recurrent duplication likely has reduced penetrance and variable expressivity since it is inherited in most instances from a parent who is often minimally affected or phenotypically normal (GeneReviews ). Duplication of HNF1B has been suggested to be responsible for the annular pancreas phenotype in the 17q12 duplication syndrome (Xiao 2021). Reference Kendall et al., Br J Psychiatry. 2019 May;214(5):297-304. PMID: 30767844. Xiao et al., Front Genet. 2021 May 7;12:615072. PMID: 34025713.

GRCh37/hg19 17q12(chr17:34426244-36225988)x3

Genes: AATF (apoptosis antagonizing transcription factor; plus strand), ACACA (acetyl-CoA carboxylase alpha; minus strand), C17orf78 (chromosome 17 open reading frame 78; plus strand), CCL3L1 (C-C motif chemokine ligand 3 like 1; minus strand), CCL3L3 (C-C motif chemokine ligand 3 like 3; minus strand) and 18 more. Cytogenetic location: 17q12.
Variant type: copy number gain.
Change: copy number 3 (three copies instead of two) of chr17:34,426,244-36,225,988 (1.80 Mb, GRCh37 coordinates, 1-based), cytogenetic band 17q12.
Identifiers: ClinVar variation 564432 (VCV000564432.3).